The following is an entry in ClinVar:

NM_004183.4(BEST1):c.153G>A (p.Arg51=)

Gene: BEST1 (bestrophin 1; plus strand). Cytogenetic location: 11q12.3.
Variant type: single nucleotide variant.
Coding change: c.153G>A on transcript NM_004183.4 (MANE Select); coding-DNA position 153, G replaced by A.
Protein change: p.Arg51=; no amino-acid change (arginine 51 retained).
Molecular consequence: synonymous variant. On other transcripts: 5 prime UTR variant (2), non-coding transcript variant (1).
Genome position (GRCh38, 1-based): chr11:61,955,107, G>A. VCF-style: chr11-61955107-G-A. GRCh37 (hg19) VCF-style: chr11-61722579-G-A.
Other names: c.-28G>A (NM_001139443.3, NM_001300786.2, NM_001300787.2); c.153G>A, p.Arg51= (NM_001363592.2).
Identifiers: ClinVar variation 2062627 (VCV002062627.4), dbSNP rs751807541, ClinGen allele CA2580084368.

ClinVar aggregate classification (germline): Uncertain significance (1 of 4 stars; one submission).

Submission:

Labcorp Genetics (formerly Invitae), Labcorp
Classification: Uncertain significance. Last evaluated: 2022-06-04. Review status: criteria provided, single submitter. Criteria: Invitae Variant Classification Sherloc (09022015). Collection method: clinical testing. Allele origin: germline.
Comment: In summary, the available evidence is currently insufficient to determine the role of this variant in disease. Therefore, it has been classified as a Variant of Uncertain Significance. Algorithms developed to predict the effect of sequence changes on RNA splicing suggest that this variant is not likely to affect RNA splicing. This variant has not been reported in the literature in individuals affected with BEST1-related conditions. This variant is not present in population databases (gnomAD no frequency). This sequence change affects codon 51 of the BEST1 mRNA. It is a 'silent' change, meaning that it does not change the encoded amino acid sequence of the BEST1 protein. It affects a nucleotide within the consensus splice site.